The following is an entry in ClinVar:

NM_024496.4(IRF2BPL):c.1260C>A (p.Phe420Leu)

Gene: IRF2BPL (interferon regulatory factor 2 binding protein like; minus strand). Cytogenetic location: 14q24.3.
Variant type: single nucleotide variant.
Coding change: c.1260C>A on transcript NM_024496.4 (MANE Select); coding-DNA position 1260, C replaced by A.
Protein change: p.Phe420Leu; replaces phenylalanine 420 with leucine.
Molecular consequence: missense variant.
Genome position (GRCh38, 1-based): chr14:77,026,533, G>T on the plus strand (C>A on the coding strand, the complement: IRF2BPL is on the minus strand). VCF-style: chr14-77026533-G-T. GRCh37 (hg19) VCF-style: chr14-77492876-G-T.
Other names: short protein forms F420L.
Identifiers: ClinVar variation 3375987 (VCV003375987.1).

ClinVar aggregate classification (germline): Uncertain significance (1 of 4 stars; one submission).

Submission:

GeneDx
Classification: Uncertain significance. Last evaluated: 2024-05-07. Review status: criteria provided, single submitter. Criteria: GeneDx Variant Classification Process June 2021. Collection method: clinical testing. Allele origin: germline. Affected: yes.
Comment: Not observed at significant frequency in large population cohorts (gnomAD); In silico analysis supports that this missense variant has a deleterious effect on protein structure/function; Has not been previously published as pathogenic or benign variant to our knowledge